The following is an entry in ClinVar:

NM_000238.4(KCNH2):c.1324G>C (p.Ala442Pro)

Gene: KCNH2 (potassium voltage-gated channel subfamily H member 2; minus strand). Cytogenetic location: 7q36.1.
Variant type: single nucleotide variant.
Coding change: c.1324G>C on transcript NM_000238.4 (MANE Select); coding-DNA position 1324, G replaced by C.
Protein change: p.Ala442Pro; replaces alanine 442 with proline.
Molecular consequence: missense variant. On other transcripts: non-coding transcript variant (2).
Genome position (GRCh38, 1-based): chr7:150,952,658, C>G on the plus strand (G>C on the coding strand, the complement: KCNH2 is on the minus strand). VCF-style: chr7-150952658-C-G. GRCh37 (hg19) VCF-style: chr7-150649746-C-G.
Other names: c.304G>C, p.Ala102Pro (NM_001204798.2, NM_172057.3); c.1036G>C, p.Ala346Pro (NM_001406753.1, NM_001406756.1); c.1147G>C, p.Ala383Pro (NM_001406755.1); c.1024G>C, p.Ala342Pro (NM_001406757.1); c.1324G>C, p.Ala442Pro (NM_172056.3); short protein forms A102P, A342P, A346P, A383P, A442P.
Identifiers: ClinVar variation 3901604 (VCV003901604.1).
Genomic context (GRCh38, chr7:150,952,658, plus strand): 5'-TGATGTCCACGATGAGGTCCACCACAGCCAGCGGCTGGCAGGCGTAGCCACACTCGGTAG[C>G]AGGCGGGCCTTCTTCCGTCTCCTTCAGCAGGAAGGCAGCCGAGTAGGGTGTGAAGACAGC-3'
Protein context (NP_000229.1, residues 432-452): LLKETEEGPP[Ala442Pro]TECGYACQPL

ClinVar aggregate classification (germline): Uncertain significance (1 of 4 stars; one submission).

Submission:

GeneDx
Classification: Uncertain significance. Last evaluated: 2024-11-26. Review status: criteria provided, single submitter. Criteria: GeneDx Variant Classification Process June 2021. Collection method: clinical testing. Allele origin: germline. Affected: yes.
Comment: Not observed at significant frequency in large population cohorts (gnomAD); In silico analysis indicates that this missense variant does not alter protein structure/function; Has not been previously published as pathogenic or benign to our knowledge